The following is an entry in ClinVar:

ClinVar aggregate classification (germline): Uncertain significance (1 of 4 stars; one submission).

Submission:

GeneDx
Classification: Uncertain significance. Last evaluated: 2025-06-23. Review status: criteria provided, single submitter. Criteria: GeneDx Variant Classification Process June 2021. Collection method: clinical testing. Allele origin: germline. Affected: yes.
Comment: Has not been previously published as pathogenic or benign to our knowledge; Not observed at significant frequency in large population cohorts (gnomAD); In silico analysis suggests that this missense variant does not alter protein structure/function

NM_005826.5(HNRNPR):c.1052C>T (p.Thr351Met)

Gene: HNRNPR (heterogeneous nuclear ribonucleoprotein R; minus strand). Cytogenetic location: 1p36.12.
Variant type: single nucleotide variant.
Coding change: c.1052C>T on transcript NM_005826.5 (MANE Select); coding-DNA position 1052, C replaced by T.
Protein change: p.Thr351Met; replaces threonine 351 with methionine.
Molecular consequence: missense variant.
Genome position (GRCh38, 1-based): chr1:23,313,668, G>A on the plus strand (C>T on the coding strand, the complement: HNRNPR is on the minus strand). VCF-style: chr1-23313668-G-A. GRCh37 (hg19) VCF-style: chr1-23640161-G-A.
Other names: c.749C>T, p.Thr250Met (NM_001102397.3); c.1061C>T, p.Thr354Met (NM_001102398.3); c.758C>T, p.Thr253Met (NM_001102399.3); c.938C>T, p.Thr313Met (NM_001297620.2); c.572C>T, p.Thr191Met (NM_001297621.2); c.635C>T, p.Thr212Met (NM_001297622.2); c.875C>T, p.Thr292Met (NM_001437727.1); c.1052C>T, p.Thr351Met (NM_001438564.1); short protein forms T191M, T212M, T250M, T253M, T292M, T313M, T351M, T354M.
Identifiers: ClinVar variation 4540284 (VCV004540284.1).